The following is an entry in ClinVar:

ClinVar aggregate classification (germline): Conflicting classifications of pathogenicity. Review status: criteria provided, conflicting classifications (1 of 4 stars). 3 submissions from 3 submitters: Uncertain significance (2); Likely benign (1). Last evaluated 2025-11-02.

Conditions:
Familial hypobetalipoproteinemia 1. Also called: Hypobetalipoproteinemia, normotriglyceridemic; Acanthocytosis with hypobetalipoproteinemia; APOB-Related Familial Hypobetalipoproteinemia. Identifiers: MedGen C4551990, MONDO:0014252, OMIM 615558.
Hypercholesterolemia, autosomal dominant, type B (FHCL2). Also called: Familial Hypercholesterolemia Type B; HYPERCHOLESTEROLEMIA, FAMILIAL, DUE TO LIGAND-DEFECTIVE APOLIPOPROTEIN B; Familial hypercholesterolemia 2; APOB-Related Familial Hypercholesterolemia, Autosomal Dominant; APOLIPOPROTEIN B-100, FAMILIAL DEFECTIVE; APOLIPOPROTEIN B-100, FAMILIAL LIGAND-DEFECTIVE. Identifiers: MedGen C1704417, MONDO:0007751, OMIM 144010.
Cardiovascular phenotype. Identifiers: MedGen CN230736.
Familial hypercholesterolemia. Also called: Familial hypercholesterolemias; Familial hypercholesterolaemia. Identifiers: MedGen C0020445, MONDO:0005439.

Allele frequency attached by ClinVar (database versions not stated): TOPMed below 0.00001; ExAC 0.00001; gnomAD exomes 0.00001 and 0.00002; gnomAD 0.00002.
gnomAD v4.1: 30 of 1,613,910 alleles (0.0019%); highest among the groups gnomAD compares: Non-Finnish European, 0.0025%; no homozygotes.

Submissions (3):

Ambry Genetics
Classification: Uncertain significance for Cardiovascular phenotype. Last evaluated: 2025-11-02. Review status: criteria provided, single submitter. Criteria: Ambry Variant Classification Scheme 2023. Collection method: clinical testing. Allele origin: germline.
Comment: The p.L2824V variant (also known as c.8470C>G), located in coding exon 26 of the APOB gene, results from a C to G substitution at nucleotide position 8470. The leucine at codon 2824 is replaced by valine, an amino acid with highly similar properties. This amino acid position is conserved. In addition, this alteration is predicted to be tolerated by in silico analysis. Since supporting evidence is limited at this time, the clinical significance of this alteration remains unclear.

Cambridge Genomics Laboratory, East Genomic Laboratory Hub, NHS Genomic Medicine Service
Classification: Uncertain significance for Familial hypercholesterolaemia. Last evaluated: 2025-07-23. Review status: criteria provided, single submitter. Criteria: ACGS Best Practice Guidelines for Variant Classification in Rare Disease 2020. Collection method: clinical testing. Allele origin: germline. Affected: yes.
Comment: PM1_Supporting,PM2

Labcorp Genetics (formerly Invitae), Labcorp
Classification: Likely benign for Familial hypobetalipoproteinemia 1; Hypercholesterolemia, autosomal dominant, type B. Last evaluated: 2025-06-09. Review status: criteria provided, single submitter. Criteria: Invitae Variant Classification Sherloc (09022015). Collection method: clinical testing. Allele origin: germline.

NM_000384.3(APOB):c.8470C>G (p.Leu2824Val)

Gene: APOB (apolipoprotein B; minus strand). Cytogenetic location: 2p24.1.
Variant type: single nucleotide variant.
Coding change: c.8470C>G on transcript NM_000384.3 (MANE Select); coding-DNA position 8470, C replaced by G.
Protein change: p.Leu2824Val; replaces leucine 2824 with valine.
Molecular consequence: missense variant.
Genome position (GRCh38, 1-based): chr2:21,008,398, G>C on the plus strand (C>G on the coding strand, the complement: APOB is on the minus strand). VCF-style: chr2-21008398-G-C. GRCh37 (hg19) VCF-style: chr2-21231270-G-C.
Other names: short protein forms L2824V.
Identifiers: ClinVar variation 922580 (VCV000922580.9), dbSNP rs757424322, ClinGen allele CA065697.